The following is an entry in ClinVar:

ClinVar aggregate classification (germline): Pathogenic (1 of 4 stars; one submission).

Conditions:
Hereditary cancer-predisposing syndrome. Also called: Tumor predisposition; Hereditary Cancer Syndrome; Neoplastic Syndromes, Hereditary; Hereditary neoplastic syndrome. Identifiers: Orphanet 140162, MedGen C0027672, MeSH D009386, MONDO:0015356.

Submission:

Ambry Genetics
Classification: Pathogenic for Hereditary cancer-predisposing syndrome. Last evaluated: 2021-04-14. Review status: criteria provided, single submitter. Criteria: Ambry Variant Classification Scheme 2023. Collection method: clinical testing. Allele origin: germline.
Comment: The c.319+3A>C intronic pathogenic mutation results from an A to C substitution 3 nucleotides after coding exon 1 in the CHEK2 gene. This nucleotide position is highly conserved in available vertebrate species. In silico splice site analysis predicts that this alteration will weaken the native splice donor site. RNA studies have demonstrated that this alteration results in abnormal splicing that results in the loss of coding exon 1 in the set of samples tested (Ambry internal data). Sequence variations that modify the initiation codon are expected to result in either loss of translation initiation, N-terminal truncation, or cause a shift in the mRNA reading frame. Based on the supporting evidence, this alteration is interpreted as a disease-causing mutation.

NM_007194.4(CHEK2):c.319+3A>C

Gene: CHEK2 (checkpoint kinase 2; minus strand). Cytogenetic location: 22q12.1.
Variant type: single nucleotide variant.
Coding change: c.319+3A>C on transcript NM_007194.4 (MANE Select); 3 bases into the intron after coding-DNA position 319, A replaced by C.
Molecular consequence: intron variant.
Genome position (GRCh38, 1-based): chr22:28,734,400, T>G on the plus strand (A>C on the coding strand, the complement: CHEK2 is on the minus strand). VCF-style: chr22-28734400-T-G. GRCh37 (hg19) VCF-style: chr22-29130388-T-G.
Other names: c.-345+7369A>C (NM_001437942.1); c.319+3A>C (NM_001349956.3, NM_145862.3, NM_001438295.1 and 3 more transcripts); c.-459+3A>C (NM_001257387.3).
Identifiers: ClinVar variation 823130 (VCV000823130.4), dbSNP rs1569169765, ClinGen allele CA915952745.